The following is an entry in ClinVar:

ClinVar aggregate classification (germline): Uncertain significance. Review status: criteria provided, multiple submitters, no conflicts (2 of 4 stars). 2 submissions from 2 submitters: Uncertain significance (2). Last evaluated 2024-04-08.

Conditions:
Inborn genetic diseases. Identifiers: MedGen C0950123, MeSH D030342.

Allele frequency attached by ClinVar (database versions not stated): gnomAD exomes 0.00001; ExAC 0.00005; gnomAD 0.00005; TOPMed 0.00006; ESP Exome Variant Server 0.00008; 1000 Genomes Project 0.00020; 1000 Genomes Project 30x 0.00031.
gnomAD v4.1: 18 of 1,599,904 alleles (0.0011%); highest among the groups gnomAD compares: African/African-American, 0.017%; no homozygotes.

Submissions (2):

Ambry Genetics
Classification: Uncertain significance for Inborn genetic diseases. Last evaluated: 2024-04-08. Review status: criteria provided, single submitter. Criteria: Ambry Variant Classification Scheme 2023. Collection method: clinical testing. Allele origin: germline.

Labcorp Genetics (formerly Invitae), Labcorp
Classification: Uncertain significance. Last evaluated: 2022-08-16. Review status: criteria provided, single submitter. Criteria: Invitae Variant Classification Sherloc (09022015). Collection method: clinical testing. Allele origin: germline.
Comment: In summary, the available evidence is currently insufficient to determine the role of this variant in disease. Therefore, it has been classified as a Variant of Uncertain Significance. Algorithms developed to predict the effect of sequence changes on RNA splicing suggest that this variant may create or strengthen a splice site. Algorithms developed to predict the effect of missense changes on protein structure and function (SIFT, PolyPhen-2, Align-GVGD) all suggest that this variant is likely to be tolerated. This variant has not been reported in the literature in individuals affected with LAMA5-related conditions. The frequency data for this variant in the population databases is considered unreliable, as metrics indicate poor data quality at this position in the gnomAD database. This sequence change replaces methionine, which is neutral and non-polar, with isoleucine, which is neutral and non-polar, at codon 2620 of the LAMA5 protein (p.Met2620Ile).

NM_005560.6(LAMA5):c.7860G>A (p.Met2620Ile)

Gene: LAMA5 (laminin subunit alpha 5; minus strand). Cytogenetic location: 20q13.33.
Variant type: single nucleotide variant.
Coding change: c.7860G>A on transcript NM_005560.6 (MANE Select); coding-DNA position 7860, G replaced by A.
Protein change: p.Met2620Ile; replaces methionine 2620 with isoleucine.
Molecular consequence: missense variant.
Genome position (GRCh38, 1-based): chr20:62,315,955, C>T on the plus strand (G>A on the coding strand, the complement: LAMA5 is on the minus strand). VCF-style: chr20-62315955-C-T. GRCh37 (hg19) VCF-style: chr20-60891011-C-T.
Other names: c.7860G>A (NM_005560.3); short protein forms M2620I.
Identifiers: ClinVar variation 2171979 (VCV002171979.5), dbSNP rs141483169, ClinGen allele CA9941007.